The following is an entry in ClinVar:

ClinVar aggregate classification (germline): Benign (0 of 4 stars; one submission).

Conditions:
MYOM2-related disorder. Also called: MYOM2-related condition.

Allele frequency attached by ClinVar (database versions not stated): ESP Exome Variant Server 0.00038; gnomAD exomes 0.00208; gnomAD 0.00472; TOPMed 0.00560; ExAC 0.00675; 1000 Genomes Project 30x 0.01031; 1000 Genomes Project 0.01078.
gnomAD v4.1: 3,872 of 1,613,340 alleles (0.24%); highest among the groups gnomAD compares: East Asian, 3.5%; 59 homozygotes.

Submission:

PreventionGenetics, part of Exact Sciences
Classification: Benign for MYOM2-related condition. Last evaluated: 2019-12-24. Review status: no assertion criteria provided. Collection method: clinical testing. Allele origin: germline.
Comment: This variant is classified as benign based on ACMG/AMP sequence variant interpretation guidelines (Richards et al. 2015 PMID: 25741868, with internal and published modifications).

NM_003970.4(MYOM2):c.3872G>T (p.Cys1291Phe)

Gene: MYOM2 (myomesin 2; plus strand). Cytogenetic location: 8p23.3.
Variant type: single nucleotide variant.
Coding change: c.3872G>T on transcript NM_003970.4 (MANE Select); coding-DNA position 3872, G replaced by T.
Protein change: p.Cys1291Phe; replaces cysteine 1291 with phenylalanine.
Molecular consequence: missense variant.
Genome position (GRCh38, 1-based): chr8:2,140,794, G>T. VCF-style: chr8-2140794-G-T. GRCh37 (hg19) VCF-style: chr8-2088717-G-T.
Other names: short protein forms C1291F.
Identifiers: ClinVar variation 3038713 (VCV003038713.2), dbSNP rs143646514, ClinGen allele CA170466424.